The following is an entry in ClinVar:

ClinVar aggregate classification (germline): Uncertain significance. Review status: criteria provided, multiple submitters, no conflicts (2 of 4 stars). 3 submissions from 3 submitters: Uncertain significance (3). Last evaluated 2025-09-22.

Conditions:
Abnormal bleeding. Also called: Bleeding diathesis. Identifiers: MedGen C1458140, HP:0001892.
Atypical hemolytic-uremic syndrome with thrombomodulin anomaly. Also called: HEMOLYTIC UREMIC SYNDROME, ATYPICAL, SUSCEPTIBILITY TO, 6; AHUS, SUSCEPTIBILITY TO, 6. Identifiers: MedGen C2752036, MONDO:0013044, OMIM 612926. Disease mechanism: gain of function.
Thrombomodulin-related bleeding disorder (THPH12). Also called: Thrombophilia due to thrombomodulin defect. Identifiers: Orphanet 436169, MedGen C3280976, MONDO:0013775, OMIM 614486.

Allele frequency attached by ClinVar (database versions not stated): gnomAD 0.00001; gnomAD exomes 0.00001.

Submissions (3):

Genomenon, Inc
Classification: Uncertain significance for Thrombomodulin-related bleeding disorder. Last evaluated: 2025-09-22. Review status: criteria provided, single submitter. Criteria: Genomenon Sequence Variant Interpretation Standards - Updated. Collection method: curation. Allele origin: germline. Affected: no.
Comment: THBD p.Gly453Arg (c.1357G>A) is a missense variant that changes the amino acid at residue 453 from Glycine to Arginine. This variant has been reported in the published literature (PMID:31064749). It is absent or not present at a significant frequency in gnomAD. In conclusion, we classify THBD p.Gly453Arg (c.1357G>A) as a variant of unknown significance.

Fulgent Genetics
Classification: Uncertain significance for Atypical hemolytic-uremic syndrome with thrombomodulin anomaly; Thrombomodulin-related bleeding disorder. Last evaluated: 2024-05-08. Review status: criteria provided, single submitter. Criteria: ACMG Guidelines, 2015. Collection method: clinical testing. Allele origin: germline.

NIHR Bioresource Rare Diseases, University of Cambridge
Classification: Uncertain significance for Abnormal bleeding. Last evaluated: 2019-02-01. Review status: criteria provided, single submitter. Criteria: ACMG Guidelines, 2015. Collection method: research. Allele origin: unknown. Affected: yes. Observed: 1 heterozygote. Study: ThromboGenomics.

Literature cited by the submitters: PubMed 31064749 (cited by Genomenon, Inc and NIHR Bioresource Rare Diseases, University of Cambridge).

NM_000361.3(THBD):c.1357G>A (p.Gly453Arg)

Gene: THBD (thrombomodulin; minus strand). Cytogenetic location: 20p11.21.
Variant type: single nucleotide variant.
Coding change: c.1357G>A on transcript NM_000361.3 (MANE Select); coding-DNA position 1357, G replaced by A.
Protein change: p.Gly453Arg; replaces glycine 453 with arginine.
Molecular consequence: missense variant.
Genome position (GRCh38, 1-based): chr20:23,048,148, C>T on the plus strand (G>A on the coding strand, the complement: THBD is on the minus strand). VCF-style: chr20-23048148-C-T. GRCh37 (hg19) VCF-style: chr20-23028785-C-T.
Other names: short protein forms G453R.
Identifiers: ClinVar variation 626991 (VCV000626991.4), dbSNP rs1189569754, ClinGen allele CA408405689.